The following is an entry in ClinVar:

ClinVar aggregate classification (germline): Uncertain significance (1 of 4 stars; one submission).

Conditions:
Lethal multiple pterygium syndrome (LMPS). Identifiers: Orphanet 33108, MedGen C1854678, MONDO:0009668, OMIM 253290.

Allele frequency attached by ClinVar (database versions not stated): gnomAD exomes below 0.00001 and 0.00001; ExAC 0.00001.

Submission:

Labcorp Genetics (formerly Invitae), Labcorp
Classification: Uncertain significance for Lethal multiple pterygium syndrome. Last evaluated: 2025-08-18. Review status: criteria provided, single submitter. Criteria: Invitae Variant Classification Sherloc (09022015). Collection method: clinical testing. Allele origin: germline.
Comment: This sequence change replaces glutamic acid, which is acidic and polar, with glutamine, which is neutral and polar, at codon 345 of the CHRND protein (p.Glu345Gln). This variant is present in population databases (rs758772612, gnomAD 0.0009%). This variant has not been reported in the literature in individuals affected with CHRND-related conditions. ClinVar contains an entry for this variant (Variation ID: 1044122). Invitae Evidence Modeling of protein sequence and biophysical properties (such as structural, functional, and spatial information, amino acid conservation, physicochemical variation, residue mobility, and thermodynamic stability) indicates that this missense variant is not expected to disrupt CHRND protein function with a negative predictive value of 95%. In summary, the available evidence is currently insufficient to determine the role of this variant in disease. Therefore, it has been classified as a Variant of Uncertain Significance.

NM_000751.3(CHRND):c.1033G>C (p.Glu345Gln)

Gene: CHRND (cholinergic receptor nicotinic delta subunit; plus strand). Cytogenetic location: 2q37.1.
Variant type: single nucleotide variant.
Coding change: c.1033G>C on transcript NM_000751.3 (MANE Select); coding-DNA position 1033, G replaced by C.
Protein change: p.Glu345Gln; replaces glutamic acid 345 with glutamine.
Molecular consequence: missense variant.
Genome position (GRCh38, 1-based): chr2:232,531,642, G>C. VCF-style: chr2-232531642-G-C. GRCh37 (hg19) VCF-style: chr2-233396352-G-C.
Other names: c.988G>C, p.Glu330Gln (NM_001256657.2); c.451G>C, p.Glu151Gln (NM_001311195.2); c.730G>C, p.Glu244Gln (NM_001311196.2); short protein forms E345Q, E151Q, E244Q, E330Q.
Identifiers: ClinVar variation 1044122 (VCV001044122.8), dbSNP rs758772612, ClinGen allele CA2168228.